The following is an entry in ClinVar:

NM_001267550.2(TTN):c.104290A>G (p.Ile34764Val)

Genes: TTN-AS1 (TTN antisense RNA 1; plus strand), TTN (titin; minus strand). Cytogenetic location: 2q31.2.
Variant type: single nucleotide variant.
Coding change: c.104290A>G on transcript NM_001267550.2 (MANE Select); coding-DNA position 104290, A replaced by G.
Protein change: p.Ile34764Val; replaces isoleucine 34764 with valine.
Molecular consequence: missense variant.
Genome position (GRCh38, 1-based): chr2:178,532,325, T>C on the plus strand (A>G on the coding strand, the complement: TTN is on the minus strand). VCF-style: chr2-178532325-T-C. GRCh37 (hg19) VCF-style: chr2-179397052-T-C.
Other names: c.99367A>G, p.Ile33123Val (NM_001256850.1); c.77095A>G, p.Ile25699Val (NM_003319.4); c.96586A>G, p.Ile32196Val (NM_133378.4); c.77470A>G, p.Ile25824Val (NM_133432.3); c.77671A>G, p.Ile25891Val (NM_133437.4); short protein forms I25891V, I32196V, I33123V, I25699V, I25824V, I34764V.
Identifiers: ClinVar variation 2185179 (VCV002185179.6), dbSNP rs373422596, ClinGen allele CA1985447.

ClinVar aggregate classification (germline): Uncertain significance. Review status: criteria provided, multiple submitters, no conflicts (2 of 4 stars). 2 submissions from 2 submitters: Uncertain significance (2). Last evaluated 2025-07-02.

Conditions:
Dilated cardiomyopathy 1G (CMD1G). Identifiers: Orphanet 154, MedGen C1858763, MONDO:0011400, OMIM 604145.
Autosomal recessive limb-girdle muscular dystrophy type 2J (LGMDR10). Also called: MUSCULAR DYSTROPHY, LIMB-GIRDLE, AUTOSOMAL RECESSIVE 10; Limb-girdle muscular dystrophy, type 2J. Identifiers: Orphanet 140922, MedGen C1837342, MONDO:0012127, OMIM 608807.

Allele frequency attached by ClinVar (database versions not stated): gnomAD exomes below 0.00001; ExAC 0.00002; gnomAD 0.00002; TOPMed 0.00003; ESP Exome Variant Server 0.00008.
gnomAD v4.1: 4 of 1,613,904 alleles (0.00025%); highest among the groups gnomAD compares: African/African-American, 0.0053%; no homozygotes.

Submissions (2):

Labcorp Genetics (formerly Invitae), Labcorp
Classification: Uncertain significance for Dilated cardiomyopathy 1G; Autosomal recessive limb-girdle muscular dystrophy type 2J. Last evaluated: 2025-07-02. Review status: criteria provided, single submitter. Criteria: Invitae Variant Classification Sherloc (09022015). Collection method: clinical testing. Allele origin: germline.
Comment: This sequence change replaces isoleucine, which is neutral and non-polar, with valine, which is neutral and non-polar, at codon 34764 of the TTN protein (p.Ile34764Val). This variant is present in population databases (rs373422596, gnomAD 0.007%). This variant has not been reported in the literature in individuals affected with TTN-related conditions. ClinVar contains an entry for this variant (Variation ID: 2185179). Experimental studies and prediction algorithms are not available or were not evaluated, and the functional significance of this variant is currently unknown. This variant is located in the M band of TTN (PMID: 25589632). Non-truncating variants in this region may be relevant for neuromuscular disorders, but have not been definitively shown to cause cardiomyopathy (PMID: 23975875). In summary, the available evidence is currently insufficient to determine the role of this variant in disease. Therefore, it has been classified as a Variant of Uncertain Significance.

Revvity Omics, Revvity
Classification: Uncertain significance. Last evaluated: 2023-02-14. Review status: criteria provided, single submitter. Criteria: ACMG Guidelines, 2015. Collection method: clinical testing. Allele origin: germline.

Literature cited by the submitters: PubMed 25589632 (cited by Labcorp Genetics (formerly Invitae), Labcorp); PubMed 23975875 (cited by Labcorp Genetics (formerly Invitae), Labcorp).